The following is an entry in ClinVar:

ClinVar aggregate classification (germline): Uncertain significance (1 of 4 stars; one submission).

Conditions:
Early-infantile DEE. Also called: Early infantile epileptic encephalopathy; Ohtahara syndrome; Early infantile epileptic encephalopathy with suppression bursts. Identifiers: Orphanet 1934, MedGen C0393706, MONDO:0800491.

Submission:

Labcorp Genetics (formerly Invitae), Labcorp
Classification: Uncertain significance for Early-infantile DEE. Last evaluated: 2021-03-28. Review status: criteria provided, single submitter. Criteria: Invitae Variant Classification Sherloc (09022015). Collection method: clinical testing. Allele origin: germline.
Comment: In summary, the available evidence is currently insufficient to determine the role of this variant in disease. Therefore, it has been classified as a Variant of Uncertain Significance. Algorithms developed to predict the effect of missense changes on protein structure and function are either unavailable or do not agree on the potential impact of this missense change (SIFT: "Deleterious"; PolyPhen-2: "Possibly Damaging"; Align-GVGD: "Class C0"). This variant has not been reported in the literature in individuals with CACNA2D2-related conditions. This variant is not present in population databases (ExAC no frequency). This sequence change replaces serine with alanine at codon 204 of the CACNA2D2 protein (p.Ser204Ala). The serine residue is moderately conserved and there is a moderate physicochemical difference between serine and alanine.

NM_006030.4(CACNA2D2):c.610T>G (p.Ser204Ala)

Gene: CACNA2D2 (calcium voltage-gated channel auxiliary subunit alpha2delta 2; minus strand). Cytogenetic location: 3p21.31.
Variant type: single nucleotide variant.
Coding change: c.610T>G on transcript NM_006030.4 (MANE Select); coding-DNA position 610, T replaced by G.
Protein change: p.Ser204Ala; replaces serine 204 with alanine.
Molecular consequence: missense variant.
Genome position (GRCh38, 1-based): chr3:50,384,238, A>C on the plus strand (T>G on the coding strand, the complement: CACNA2D2 is on the minus strand). VCF-style: chr3-50384238-A-C. GRCh37 (hg19) VCF-style: chr3-50421669-A-C.
Other names: c.610T>G, p.Ser204Ala (NM_001005505.3, NM_001174051.3); c.403T>G, p.Ser135Ala (NM_001291101.1); short protein forms S204A, S135A.
Identifiers: ClinVar variation 1506997 (VCV001506997.9), dbSNP rs1705473665, ClinGen allele CA352944034.